The following is an entry in ClinVar:

ClinVar aggregate classification (germline): Likely benign. Review status: criteria provided, multiple submitters, no conflicts (2 of 4 stars). 3 submissions from 3 submitters: Likely benign (3). Last evaluated 2026-01-15.

Conditions:
Nephronophthisis-like nephropathy 1 (NPHPL1). Identifiers: Orphanet 655, MedGen C3150419, MONDO:0013163, OMIM 613159.

Allele frequency attached by ClinVar (database versions not stated): gnomAD exomes 0.00022; ExAC 0.00032; gnomAD 0.00064 and 0.00072; TOPMed 0.00072; 1000 Genomes Project 0.00100; 1000 Genomes Project 30x 0.00109; ESP Exome Variant Server 0.00138.
gnomAD v4.1: 198 of 1,614,114 alleles (0.012%); highest among the groups gnomAD compares: African/African-American, 0.23%; no homozygotes.

Submissions (5):

Labcorp Genetics (formerly Invitae), Labcorp
Classification: Likely benign for Nephronophthisis-like nephropathy 1. Last evaluated: 2026-01-15. Review status: criteria provided, single submitter. Criteria: Invitae Variant Classification Sherloc (09022015). Collection method: clinical testing. Allele origin: germline.

Mayo Clinic Laboratories, Mayo Clinic
Classification: Likely benign. Last evaluated: 2025-09-17. Review status: criteria provided, single submitter. Criteria: ACMG Guidelines, 2015. Collection method: clinical testing. Allele origin: germline. Observed: 1 variant allele.
Comment: BS1

Illumina Laboratory Services, Illumina
Classification: Likely benign for Nephronophthisis-like nephropathy 1. Last evaluated: 2018-01-13. Review status: criteria provided, single submitter. Criteria: ICSL Variant Classification Criteria 13 December 2019. Collection method: clinical testing. Allele origin: germline.
Comment: This variant was observed in the ICSL laboratory as part of a predisposition screen in an ostensibly healthy population. It had not been previously curated by ICSL or reported in the Human Gene Mutation Database (HGMD: prior to June 1st, 2018), and was therefore a candidate for classification through an automated scoring system. Utilizing variant allele frequency, disease prevalence and penetrance estimates, and inheritance mode, an automated score was calculated to assess if this variant is too frequent to cause the disease. Based on the score and internal cut-off values, a variant classified as likely benign is not then subjected to further curation. The score for this variant resulted in a classification of likely benign for this disease.

Dr. Peter K. Rogan Lab, Western University
No classification provided (evidence only). Condition: Familial cancer of breast. Review status: no classification provided. Collection method: in vitro. Allele origin: not applicable. Functional consequence: retained intron. Not counted in ClinVar's aggregate classification.

Dr. Peter K. Rogan Lab, Western University
No classification provided (evidence only). Condition: Colon adenocarcinoma. Review status: no classification provided. Collection method: in vitro. Allele origin: not applicable. Functional consequence: retained intron. Not counted in ClinVar's aggregate classification.

NM_022098.4(XPNPEP3):c.63A>G (p.Ser21=)

Gene: XPNPEP3 (X-prolyl aminopeptidase 3; plus strand). Cytogenetic location: 22q13.2.
Variant type: single nucleotide variant.
Coding change: c.63A>G on transcript NM_022098.4 (MANE Select); coding-DNA position 63, A replaced by G.
Protein change: p.Ser21=; no amino-acid change (serine 21 retained).
Molecular consequence: synonymous variant.
Genome position (GRCh38, 1-based): chr22:40,857,244, A>G. VCF-style: chr22-40857244-A-G. GRCh37 (hg19) VCF-style: chr22-41253248-A-G.
Other names: p.Ser21=; c.63A>G, p.Ser21= (NM_001204827.2).
Identifiers: ClinVar variation 341666 (VCV000341666.16), dbSNP rs139991468, ClinGen allele CA10251286.
Genomic context (GRCh38, chr22:40,857,244, plus strand): 5'-GCCTTGGCTGCTCTCAGCCCCCAAGCTGGTTCCCGCTGTAGCAAACGTCCGCGGCCTCTC[A>G]GGTTAGACTCTTCTCCCACGGTCTCCTCCCATGGTGTCCCCTGGAGGGACCCAAGTTGGT-3'
Protein context (NP_071381.1, residues 11-31): VPAVANVRGL[Ser21=]GCMLCSQRRY